The following is an entry in ClinVar:

ClinVar aggregate classification (germline): Benign/Likely benign. Review status: criteria provided, multiple submitters, no conflicts (2 of 4 stars). 3 submissions from 3 submitters: Benign (2); Likely benign (1). Last evaluated 2026-03-05.

Conditions:
RFWD3-related disorder. Also called: RFWD3-related condition.

Allele frequency attached by ClinVar (database versions not stated): gnomAD exomes 0.00017 and 0.00042; ExAC 0.00061; 1000 Genomes Project 0.00160; 1000 Genomes Project 30x 0.00172; gnomAD 0.00180 and 0.00190; TOPMed 0.00186; ESP Exome Variant Server 0.00223.
gnomAD v4.1: 515 of 1,614,114 alleles (0.032%); highest among the groups gnomAD compares: African/African-American, 0.65%; 2 homozygotes.

Submissions (3):

PreventionGenetics, part of Exact Sciences
Classification: Likely benign for RFWD3-related condition. Last evaluated: 2026-03-05. Review status: criteria provided, single submitter. Criteria: ACMG Guidelines, 2015. Collection method: clinical testing. Allele origin: germline.
Comment: This variant is classified as likely benign based on ACMG/AMP sequence variant interpretation guidelines (Richards et al. 2015 PMID: 25741868, with internal and published modifications).

Labcorp Genetics (formerly Invitae), Labcorp
Classification: Benign. Last evaluated: 2026-01-07. Review status: criteria provided, single submitter. Criteria: Invitae Variant Classification Sherloc (09022015). Collection method: clinical testing. Allele origin: germline.

Breakthrough Genomics
Classification: Benign. Review status: criteria provided, single submitter. Criteria: ACMG Guidelines, 2015. Collection method: not provided. Allele origin: germline. Inheritance: Autosomal recessive inheritance. Affected: yes.

NM_018124.4(RFWD3):c.1956G>C (p.Val652=)

Gene: RFWD3 (ring finger and WD repeat domain 3; minus strand). Cytogenetic location: 16q23.1.
Variant type: single nucleotide variant.
Coding change: c.1956G>C on transcript NM_018124.4 (MANE Select); coding-DNA position 1956, G replaced by C.
Protein change: p.Val652=; no amino-acid change (valine 652 retained).
Molecular consequence: synonymous variant.
Genome position (GRCh38, 1-based): chr16:74,628,465, C>G on the plus strand (G>C on the coding strand, the complement: RFWD3 is on the minus strand). VCF-style: chr16-74628465-C-G. GRCh37 (hg19) VCF-style: chr16-74662363-C-G.
Other names: c.1956G>C, p.Val652= (NM_001370534.1, NM_001370535.1); c.1779G>C, p.Val593= (NM_001370536.1); c.1122G>C, p.Val374= (NM_001370537.1, NM_001370539.1, NM_001370540.1 and 2 more transcripts).
Identifiers: ClinVar variation 740461 (VCV000740461.10), dbSNP rs137961728, ClinGen allele CA8169039.